The following is an entry in ClinVar:

NM_002858.4(ABCD3):c.67C>G (p.Leu23Val)

Gene: ABCD3 (ATP binding cassette subfamily D member 3; plus strand). Cytogenetic location: 1p21.3.
Variant type: single nucleotide variant.
Coding change: c.67C>G on transcript NM_002858.4 (MANE Select); coding-DNA position 67, C replaced by G.
Protein change: p.Leu23Val; replaces leucine 23 with valine.
Molecular consequence: missense variant.
Genome position (GRCh38, 1-based): chr1:94,418,545, C>G. VCF-style: chr1-94418545-C-G. GRCh37 (hg19) VCF-style: chr1-94884101-C-G.
Other names: c.67C>G (NM_002858.3); c.67C>G, p.Leu23Val (NM_001122674.2); short protein forms L23V.
Identifiers: ClinVar variation 2896024 (VCV002896024.4), dbSNP rs747232088, ClinGen allele CA959986.

ClinVar aggregate classification (germline): Uncertain significance. Review status: criteria provided, multiple submitters, no conflicts (2 of 4 stars). 2 submissions from 2 submitters: Uncertain significance (2). Last evaluated 2025-03-20.

Allele frequency attached by ClinVar (database versions not stated): gnomAD 0.00003.
gnomAD v4.1: 79 of 1,604,934 alleles (0.0049%); highest among the groups gnomAD compares: Non-Finnish European, 0.0064%; no homozygotes.

Submissions (2):

Ambry Genetics
Classification: Uncertain significance. Last evaluated: 2025-03-20. Review status: criteria provided, single submitter. Criteria: Ambry Variant Classification Scheme 2023. Collection method: clinical testing. Allele origin: germline.

Labcorp Genetics (formerly Invitae), Labcorp
Classification: Uncertain significance. Last evaluated: 2023-09-25. Review status: criteria provided, single submitter. Criteria: Invitae Variant Classification Sherloc (09022015). Collection method: clinical testing. Allele origin: germline.
Comment: In summary, the available evidence is currently insufficient to determine the role of this variant in disease. Therefore, it has been classified as a Variant of Uncertain Significance. An algorithm developed to predict the effect of missense changes on protein structure and function (PolyPhen-2) suggests that this variant is likely to be tolerated. This variant has not been reported in the literature in individuals affected with ABCD3-related conditions. This variant is present in population databases (rs747232088, gnomAD 0.003%). This sequence change replaces leucine, which is neutral and non-polar, with valine, which is neutral and non-polar, at codon 23 of the ABCD3 protein (p.Leu23Val).